The following is an entry in ClinVar:

NM_006059.4(LAMC3):c.3224C>G (p.Ala1075Gly)

Gene: LAMC3 (laminin subunit gamma 3; plus strand). Cytogenetic location: 9q34.12.
Variant type: single nucleotide variant.
Coding change: c.3224C>G on transcript NM_006059.4 (MANE Select); coding-DNA position 3224, C replaced by G.
Protein change: p.Ala1075Gly; replaces alanine 1075 with glycine.
Molecular consequence: missense variant.
Genome position (GRCh38, 1-based): chr9:131,072,642, C>G. VCF-style: chr9-131072642-C-G. GRCh37 (hg19) VCF-style: chr9-133948029-C-G.
Other names: short protein forms A1075G.
Identifiers: ClinVar variation 1431475 (VCV001431475.3), dbSNP rs371124007, ClinGen allele CA200668744.

ClinVar aggregate classification (germline): Uncertain significance (1 of 4 stars; one submission).

gnomAD v4.1: 27 of 1,610,170 alleles (0.0017%); highest among the groups gnomAD compares: African/African-American, 0.013%; no homozygotes.

Submission:

Labcorp Genetics (formerly Invitae), Labcorp
Classification: Uncertain significance. Last evaluated: 2022-10-03. Review status: criteria provided, single submitter. Criteria: Invitae Variant Classification Sherloc (09022015). Collection method: clinical testing. Allele origin: germline.
Comment: This sequence change replaces alanine, which is neutral and non-polar, with glycine, which is neutral and non-polar, at codon 1075 of the LAMC3 protein (p.Ala1075Gly). This variant is not present in population databases (gnomAD no frequency). This variant has not been reported in the literature in individuals affected with LAMC3-related conditions. ClinVar contains an entry for this variant (Variation ID: 1431475). Algorithms developed to predict the effect of missense changes on protein structure and function (SIFT, PolyPhen-2, Align-GVGD) all suggest that this variant is likely to be tolerated. In summary, the available evidence is currently insufficient to determine the role of this variant in disease. Therefore, it has been classified as a Variant of Uncertain Significance.